The following is an entry in ClinVar:

ClinVar aggregate classification (germline): Uncertain significance (1 of 4 stars; one submission).

Conditions:
H syndrome. Also called: HISTIOCYTOSIS AND LYMPHADENOPATHY WITH OR WITHOUT CUTANEOUS, CARDIAC, AND/OR ENDOCRINE FEATURES, JOINT CONTRACTURES, AND/OR DEAFNESS; HYPERPIGMENTATION, CUTANEOUS, WITH HYPERTRICHOSIS, HEPATOSPLENOMEGALY, HEART ANOMALIES, AND HYPOGONADISM WITH OR WITHOUT HEARING LOSS; PIGMENTED HYPERTRICHOSIS WITH INSULIN-DEPENDENT DIABETES MELLITUS; ROSAI-DORFMAN DISEASE, FAMILIAL; SINUS HISTIOCYTOSIS AND MASSIVE LYMPHADENOPATHY; Hyperpigmentation, Cutaneous, with Hypertrichosis, Hepatosplenomegaly, Heart Anomalies, Hearing Loss, and Hypogonadism. Identifiers: Orphanet 168569, MedGen C1864445, MONDO:0011273, OMIM 602782.

Submission:

Labcorp Genetics (formerly Invitae), Labcorp
Classification: Uncertain significance for Histiocytosis-lymphadenopathy plus syndrome. Last evaluated: 2018-12-31. Review status: criteria provided, single submitter. Criteria: Invitae Variant Classification Sherloc (09022015). Collection method: clinical testing. Allele origin: germline.
Comment: This sequence change replaces alanine with glycine at codon 257 of the SLC29A3 protein (p.Ala257Gly). The alanine residue is moderately conserved and there is a small physicochemical difference between alanine and glycine. This variant is not present in population databases (ExAC no frequency). This variant has not been reported in the literature in individuals with SLC29A3-related conditions. Algorithms developed to predict the effect of missense changes on protein structure and function (SIFT, PolyPhen-2, Align-GVGD) all suggest that this variant is likely to be tolerated, but these predictions have not been confirmed by published functional studies and their clinical significance is uncertain. In summary, the available evidence is currently insufficient to determine the role of this variant in disease. Therefore, it has been classified as a Variant of Uncertain Significance.

NM_018344.6(SLC29A3):c.770C>G (p.Ala257Gly)

Gene: SLC29A3 (solute carrier family 29 member 3; plus strand). Cytogenetic location: 10q22.1.
Variant type: single nucleotide variant.
Coding change: c.770C>G on transcript NM_018344.6 (MANE Select); coding-DNA position 770, C replaced by G.
Protein change: p.Ala257Gly; replaces alanine 257 with glycine.
Molecular consequence: missense variant. On other transcripts: non-coding transcript variant (2).
Genome position (GRCh38, 1-based): chr10:71,356,240, C>G. VCF-style: chr10-71356240-C-G. GRCh37 (hg19) VCF-style: chr10-73115997-C-G.
Other names: c.770C>G, p.Ala257Gly (NM_001174098.2); c.536C>G, p.Ala179Gly (NM_001363518.2); short protein forms A179G, A257G.
Identifiers: ClinVar variation 646281 (VCV000646281.1), dbSNP rs148164425, ClinGen allele CA377111669.